The following is an entry in ClinVar:

NM_020975.6(RET):c.1514A>T (p.Glu505Val)

Gene: RET (ret proto-oncogene; plus strand). Cytogenetic location: 10q11.21.
Variant type: single nucleotide variant.
Coding change: c.1514A>T on transcript NM_020975.6 (MANE Select); coding-DNA position 1514, A replaced by T.
Protein change: p.Glu505Val; replaces glutamic acid 505 with valine.
Molecular consequence: missense variant.
Genome position (GRCh38, 1-based): chr10:43,111,457, A>T. VCF-style: chr10-43111457-A-T. GRCh37 (hg19) VCF-style: chr10-43606905-A-T.
Other names: c.1514A>T, p.Glu505Val (NM_000323.2, NM_001406743.1, NM_001406744.1 and 6 more transcripts); c.752A>T, p.Glu251Val (NM_001355216.2); c.1385A>T, p.Glu462Val (NM_001406761.1, NM_001406762.1, NM_001406764.1 and 1 more transcripts); c.1226A>T, p.Glu409Val (NM_001406766.1, NM_001406767.1, NM_001406770.1); c.1118A>T, p.Glu373Val (NM_001406769.1, NM_001406772.1); c.1076A>T, p.Glu359Val (NM_001406771.1, NM_001406773.1); c.989A>T, p.Glu330Val (NM_001406774.1); c.788A>T, p.Glu263Val (NM_001406775.1, NM_001406776.1, NM_001406777.1 and 1 more transcripts); and 1 more; short protein forms E251V, E505V, E373V, E409V, E263V, E462V, E330V, E175V.
Identifiers: ClinVar variation 962595 (VCV000962595.14), dbSNP rs1837925886, ClinGen allele CA376550025.
Genomic context (GRCh38, chr10:43,111,457, plus strand): 5'-TGGTGGCCACCGACCAGCAGACCTCTAGGCAGGCCCAGGCCCAGCTGCTTGTAACAGTGG[A>T]GGGGTCATGTGAGTGCCTGCTCCAGGGAGGGAGGGTCGGGGTCCTGGGGGCTTCTGGAGC-3'
Protein context (NP_066124.1, residues 495-515): QAQAQLLVTV[Glu505Val]GSYVAEEAGC

ClinVar aggregate classification (germline): Uncertain significance. Review status: criteria provided, multiple submitters, no conflicts (2 of 4 stars). 3 submissions from 3 submitters: Uncertain significance (3). Last evaluated 2025-11-26.

Conditions:
Hereditary cancer-predisposing syndrome. Also called: Tumor predisposition; Hereditary neoplastic syndrome; Hereditary Cancer Syndrome; Neoplastic Syndromes, Hereditary. Identifiers: Orphanet 140162, MedGen C0027672, MeSH D009386, MONDO:0015356.
Multiple endocrine neoplasia, type 2 (MEN2). Identifiers: Orphanet 653, MedGen C4048306, MONDO:0019003. Disease mechanism: gain of function.

Submissions (3):

Labcorp Genetics (formerly Invitae), Labcorp
Classification: Uncertain significance for Multiple endocrine neoplasia, type 2. Last evaluated: 2025-11-26. Review status: criteria provided, single submitter. Criteria: Invitae Variant Classification Sherloc (09022015). Collection method: clinical testing. Allele origin: germline.
Comment: This sequence change replaces glutamic acid, which is acidic and polar, with valine, which is neutral and non-polar, at codon 505 of the RET protein (p.Glu505Val). This variant is not present in population databases (gnomAD no frequency). This variant has not been reported in the literature in individuals affected with RET-related conditions. ClinVar contains an entry for this variant (Variation ID: 962595). An algorithm developed to predict the effect of missense changes on protein structure and function outputs the following: PolyPhen-2: "Probably Damaging". The valine amino acid residue is found in multiple mammalian species, which suggests that this missense change does not adversely affect protein function. In summary, the available evidence is currently insufficient to determine the role of this variant in disease. Therefore, it has been classified as a Variant of Uncertain Significance.

Ambry Genetics
Classification: Uncertain significance for Hereditary cancer-predisposing syndrome. Last evaluated: 2024-06-23. Review status: criteria provided, single submitter. Criteria: Ambry Variant Classification Scheme 2023. Collection method: clinical testing. Allele origin: germline.
Comment: The p.E505V variant (also known as c.1514A>T), located in coding exon 7 of the RET gene, results from an A to T substitution at nucleotide position 1514. The glutamic acid at codon 505 is replaced by valine, an amino acid with dissimilar properties. This amino acid position is conserved. In addition, this alteration is predicted to be tolerated by in silico analysis. Since supporting evidence is limited at this time, the clinical significance of this alteration remains unclear.

All of Us Research Program, National Institutes of Health
Classification: Uncertain significance for Multiple endocrine neoplasia, type 2. Last evaluated: 2023-11-30. Review status: criteria provided, single submitter. Criteria: ACMG Guidelines, 2015. Collection method: clinical testing. Allele origin: germline. Inheritance: Autosomal dominant inheritance. Observed: 1 variant allele, 1 heterozygote.
Comment: This study involves interpretation of variants in research participants for the purpose of population health screening. Participant phenotype was not available at the time of variant classification. Additional details can be found in publication PMID: 35346344, PMCID: PMC8962531